The following is an entry in ClinVar:

NM_001371928.1(AHDC1):c.3329T>C (p.Phe1110Ser)

Gene: AHDC1 (AT-hook DNA binding motif containing 1; minus strand). Cytogenetic location: 1p36.11.
Variant type: single nucleotide variant.
Coding change: c.3329T>C on transcript NM_001371928.1 (MANE Select); coding-DNA position 3329, T replaced by C.
Protein change: p.Phe1110Ser; replaces phenylalanine 1110 with serine.
Molecular consequence: missense variant.
Genome position (GRCh38, 1-based): chr1:27,548,787, A>G on the plus strand (T>C on the coding strand, the complement: AHDC1 is on the minus strand). VCF-style: chr1-27548787-A-G. GRCh37 (hg19) VCF-style: chr1-27875298-A-G.
Other names: c.3329T>C, p.Phe1110Ser (NM_001029882.3); short protein forms F1110S.
Identifiers: ClinVar variation 3686024 (VCV003686024.2).
Genomic context (GRCh38, chr1:27,548,787, plus strand): 5'-GGATTGTAGAGCTGACTAAAGGCCTCTGAGGCCCAGTCCAGGCCTCCATAGCCCTGCCGG[A>G]AAGGCCACTGAGAAGCCCCCGCAAACTGCCGACAGTTCTCGGGCGAGGGCTGGAAGGAGG-3'
Protein context (NP_001358857.1, residues 1100-1120): RQFAGASQWP[Phe1110Ser]RQGYGGLDWA

ClinVar aggregate classification (germline): Uncertain significance (1 of 4 stars; one submission).

gnomAD v4.1: 1 of 1,612,954 alleles (0.000062%); highest among the groups gnomAD compares: Non-Finnish European, 0.000085%; no homozygotes.

Submission:

Labcorp Genetics (formerly Invitae), Labcorp
Classification: Uncertain significance. Last evaluated: 2026-01-05. Review status: criteria provided, single submitter. Criteria: Invitae Variant Classification Sherloc (09022015). Collection method: clinical testing. Allele origin: germline.
Comment: This sequence change replaces phenylalanine, which is neutral and non-polar, with serine, which is neutral and polar, at codon 1110 of the AHDC1 protein (p.Phe1110Ser). This variant is not present in population databases (gnomAD no frequency). This variant has not been reported in the literature in individuals affected with AHDC1-related conditions. ClinVar contains an entry for this variant (Variation ID: 3686024). An algorithm developed to predict the effect of missense changes on protein structure and function (PolyPhen-2) suggests that this variant is likely to be disruptive. In summary, the available evidence is currently insufficient to determine the role of this variant in disease. Therefore, it has been classified as a Variant of Uncertain Significance.